The following is an entry in ClinVar:

NM_080680.3(COL11A2):c.1806G>A (p.Leu602=)

Gene: COL11A2 (collagen type XI alpha 2 chain; minus strand). Cytogenetic location: 6p21.32.
Variant type: single nucleotide variant.
Coding change: c.1806G>A on transcript NM_080680.3 (MANE Select); coding-DNA position 1806, G replaced by A.
Protein change: p.Leu602=; no amino-acid change (leucine 602 retained).
Molecular consequence: synonymous variant.
Genome position (GRCh38, 1-based): chr6:33,178,320, C>T on the plus strand (G>A on the coding strand, the complement: COL11A2 is on the minus strand). VCF-style: chr6-33178320-C-T. GRCh37 (hg19) VCF-style: chr6-33146097-C-T.
Other names: c.1485G>A, p.Leu495= (NM_080679.3); c.1548G>A, p.Leu516= (NM_080681.3).
Identifiers: ClinVar variation 668510 (VCV000668510.1), dbSNP rs1583343003, ClinGen allele CA449885418.

ClinVar aggregate classification (germline): Likely benign (1 of 4 stars; one submission).

Submission:

GeneDx
Classification: Likely benign. Last evaluated: 2018-05-21. Review status: criteria provided, single submitter. Criteria: GeneDx Variant Classification (06012015). Collection method: clinical testing. Allele origin: germline. Affected: yes.
Comment: This variant is considered likely benign or benign based on one or more of the following criteria: it is a conservative change, it occurs at a poorly conserved position in the protein, it is predicted to be benign by multiple in silico algorithms, and/or has population frequency not consistent with disease.